The following is an entry in ClinVar:

NM_020738.4(KIDINS220):c.5046C>T (p.Thr1682=)

Gene: KIDINS220 (kinase D interacting substrate 220; minus strand). Cytogenetic location: 2p25.1.
Variant type: single nucleotide variant.
Coding change: c.5046C>T on transcript NM_020738.4 (MANE Select); coding-DNA position 5046, C replaced by T.
Protein change: p.Thr1682=; no amino-acid change (threonine 1682 retained).
Molecular consequence: synonymous variant. On other transcripts: intron variant (6).
Genome position (GRCh38, 1-based): chr2:8,730,990, G>A on the plus strand (C>T on the coding strand, the complement: KIDINS220 is on the minus strand). VCF-style: chr2-8730990-G-A. GRCh37 (hg19) VCF-style: chr2-8871120-G-A.
Other names: c.5049C>T, p.Thr1683= (NM_001348729.2); c.4992C>T, p.Thr1664= (NM_001348731.2); c.4989C>T, p.Thr1663= (NM_001348732.2); c.4878C>T, p.Thr1626= (NM_001348734.2); c.4875C>T, p.Thr1625= (NM_001348735.2); c.4749C>T, p.Thr1583= (NM_001348736.2); c.3882+2454C>T (NM_001348741.2, NM_001348742.2, NM_001348743.2); c.3996+2454C>T (NM_001348738.2); and 1 more.
Identifiers: ClinVar variation 3054372 (VCV003054372.4), dbSNP rs1270086786, ClinGen allele CA425083446.
Genomic context (GRCh38, chr2:8,730,990, plus strand): 5'-CATCTCATCGAAATTTTGATTGGCTCTGTTGGCTGGAGCACTATTGTTGTTCAGAGTCAC[G>A]GTGCTGGGAGTTCGGTTCAGGTTGTAGGCTTTCTGGCATGCAGGCCAGTTTTCTTCAGGG-3'
Protein context (NP_065789.1, residues 1672-1692): KAYNLNRTPS[Thr1682=]VTLNNNSAPA

ClinVar aggregate classification (germline): Likely benign. Review status: criteria provided, single submitter (1 of 4 stars). 2 submissions from 2 submitters: Likely benign (1). 1 of the submissions does not count toward it. Last evaluated 2024-07-30.

Conditions:
KIDINS220-related disorder. Also called: KIDINS220-related condition.

Allele frequency attached by ClinVar (database versions not stated): TOPMed below 0.00001.
gnomAD v4.1: 25 of 1,614,152 alleles (0.0015%); highest among the groups gnomAD compares: East Asian, 0.0022%; no homozygotes.

Submissions (2):

Labcorp Genetics (formerly Invitae), Labcorp
Classification: Likely benign. Last evaluated: 2024-07-30. Review status: criteria provided, single submitter. Criteria: Invitae Variant Classification Sherloc (09022015). Collection method: clinical testing. Allele origin: germline.

PreventionGenetics, part of Exact Sciences
Classification: Likely benign for KIDINS220-related condition. Last evaluated: 2022-11-21. Review status: no assertion criteria provided. Collection method: clinical testing. Allele origin: germline. Not counted in ClinVar's aggregate classification.
Comment: This variant is classified as likely benign based on ACMG/AMP sequence variant interpretation guidelines (Richards et al. 2015 PMID: 25741868, with internal and published modifications).